The following is an entry in ClinVar:

ClinVar aggregate classification (germline): Uncertain significance (1 of 4 stars; one submission).

Conditions:
Corpus callosum, agenesis of. Also called: Isolated corpus callosum agenesis; Corpus callosum agenesis; Mental retardation hypoplastic corpus callosum preauricular tag; Da silva syndrome; Agenesis of the corpus callosum. Identifiers: Orphanet 200, MedGen C0175754, MONDO:0009022, OMIM 217990, HP:0001274.

Submission:

Laboratory of Cytogenetics, Molecular Genetics and Reproductive Biology, Farhat Hached University Hospital
Classification: Uncertain significance for corpus callosum agenesis. Last evaluated: 2025-12-12. Review status: criteria provided, single submitter. Criteria: ACMG/ClinGen CNV Guidelines, 2019. Collection method: clinical testing. Allele origin: unknown. Affected: yes.
Comment: Current evidence is insufficient to determine its clinical significance; therefore, the variant was classified as a Variant of Uncertain Significance (VUS). The copy number variant was evaluated using ACMG/ClinGen CNV guidelines (PMID:31690835)

GRCh37/hg19 12q12(chr12:40840168-41015988)x3

Gene: MUC19 (mucin 19, oligomeric (gene/pseudogene); plus strand). Cytogenetic location: 12q12.
Variant type: copy number gain.
Change: copy number 3 (three copies instead of two) of chr12:40,840,168-41,015,988 (175.8 kb, GRCh37 coordinates, 1-based), cytogenetic band 12q12.
Identifiers: ClinVar variation 4850964 (VCV004850964.1).